The following is an entry in ClinVar:

NM_000059.4(BRCA2):c.7597T>C (p.Ser2533Pro)

Gene: BRCA2 (BRCA2 DNA repair associated; plus strand). Cytogenetic location: 13q13.1.
Variant type: single nucleotide variant.
Coding change: c.7597T>C on transcript NM_000059.4 (MANE Select); coding-DNA position 7597, T replaced by C.
Protein change: p.Ser2533Pro; replaces serine 2533 with proline.
Molecular consequence: missense variant.
Genome position (GRCh38, 1-based): chr13:32,356,589, T>C. VCF-style: chr13-32356589-T-C. GRCh37 (hg19) VCF-style: chr13-32930726-T-C.
Other names: c.7597T>C (NM_000059.3); short protein forms S2533P.
Identifiers: ClinVar variation 1016985 (VCV001016985.10), dbSNP rs786204150, ClinGen allele CA387743938.

ClinVar aggregate classification (germline): Uncertain significance. Review status: criteria provided, multiple submitters, no conflicts (2 of 4 stars). 2 submissions from 2 submitters: Uncertain significance (2). Last evaluated 2025-01-06.

Conditions:
Hereditary cancer-predisposing syndrome. Also called: Tumor predisposition; Neoplastic Syndromes, Hereditary; Hereditary neoplastic syndrome; Hereditary Cancer Syndrome. Identifiers: Orphanet 140162, MedGen C0027672, MeSH D009386, MONDO:0015356.
Hereditary breast ovarian cancer syndrome. Also called: BRCA1- and BRCA2-Associated Hereditary Breast and Ovarian Cancer; Hereditary breast and/or ovarian cancer syndrome; Hereditary breast and ovarian cancer syndrome; Hereditary breast and ovarian cancer; Hereditary breast and ovarian cancer syndrome (HBOC); Breast and ovarian cancer. Identifiers: Orphanet 145, MedGen C0677776, MeSH D061325, MONDO:0003582. Disease mechanism: loss of function.

Submissions (2):

Ambry Genetics
Classification: Uncertain significance for Hereditary cancer-predisposing syndrome. Last evaluated: 2025-01-06. Review status: criteria provided, single submitter. Criteria: Ambry Variant Classification Scheme 2023. Collection method: clinical testing. Allele origin: germline.
Comment: The p.S2533P variant (also known as c.7597T>C), located in coding exon 14 of the BRCA2 gene, results from a T to C substitution at nucleotide position 7597. The serine at codon 2533 is replaced by proline, an amino acid with similar properties. This amino acid position is not well conserved in available vertebrate species. In addition, the in silico prediction for this alteration is inconclusive. Based on the available evidence, the clinical significance of this variant remains unclear.

Labcorp Genetics (formerly Invitae), Labcorp
Classification: Uncertain significance for Hereditary breast ovarian cancer syndrome. Last evaluated: 2020-10-20. Review status: criteria provided, single submitter. Criteria: Invitae Variant Classification Sherloc (09022015). Collection method: clinical testing. Allele origin: germline.
Comment: In summary, the available evidence is currently insufficient to determine the role of this variant in disease. Therefore, it has been classified as a Variant of Uncertain Significance. Advanced modeling of protein sequence and biophysical properties (such as structural, functional, and spatial information, amino acid conservation, physicochemical variation, residue mobility, and thermodynamic stability) performed at Invitae indicates that this missense variant is not expected to disrupt BRCA2 protein function. This variant has not been reported in the literature in individuals with BRCA2-related conditions. This variant is not present in population databases (ExAC no frequency). This sequence change replaces serine with proline at codon 2533 of the BRCA2 protein (p.Ser2533Pro). The serine residue is moderately conserved and there is a moderate physicochemical difference between serine and proline.